The following is an entry in ClinVar:

NM_000051.4(ATM):c.3333T>G (p.Leu1111=)

Gene: ATM (ATM serine/threonine kinase; plus strand). Cytogenetic location: 11q22.3.
Variant type: single nucleotide variant.
Coding change: c.3333T>G on transcript NM_000051.4 (MANE Select); coding-DNA position 3333, T replaced by G.
Protein change: p.Leu1111=; no amino-acid change (leucine 1111 retained).
Molecular consequence: synonymous variant.
Genome position (GRCh38, 1-based): chr11:108,279,539, T>G. VCF-style: chr11-108279539-T-G. GRCh37 (hg19) VCF-style: chr11-108150266-T-G.
Other names: c.3333T>G, p.Leu1111= (NM_001351834.2).
Identifiers: ClinVar variation 925416 (VCV000925416.13), dbSNP rs750932338, ClinGen allele CA6265264.

ClinVar aggregate classification (germline): Benign/Likely benign. Review status: criteria provided, multiple submitters, no conflicts (2 of 4 stars). 4 submissions from 4 submitters: Benign (1); Likely benign (3). Last evaluated 2026-01-14.

Conditions:
Hereditary cancer-predisposing syndrome. Also called: Tumor predisposition; Hereditary neoplastic syndrome; Hereditary Cancer Syndrome; Neoplastic Syndromes, Hereditary. Identifiers: Orphanet 140162, MedGen C0027672, MeSH D009386, MONDO:0015356.
Familial cancer of breast. Also called: BREAST CANCER, FAMILIAL; Hereditary breast cancer; hereditary breast carcinoma. Identifiers: Orphanet 227535, MedGen C0346153, MONDO:0016419, OMIM 114480. Disease mechanism: loss of function.
Ataxia-telangiectasia syndrome (AT). Also called: ATAXIA-TELANGIECTASIA, COMPLEMENTATION GROUP A; ATAXIA-TELANGIECTASIA, FRESNO VARIANT; Ataxia-telangiectasia; LOUIS-BAR SYNDROME; Ataxia-telangiectasia, complementation group E; Ataxia telangiectasia (A-T). Identifiers: Orphanet 100, MedGen C0004135, MONDO:0008840, OMIM 208900.

Allele frequency attached by ClinVar (database versions not stated): ExAC 0.00001; gnomAD exomes 0.00001.
gnomAD v4.1: 5 of 1,613,816 alleles (0.00031%); highest among the groups gnomAD compares: East Asian, 0.011%; no homozygotes.

Submissions (4):

Ambry Genetics
Classification: Likely benign for Hereditary cancer-predisposing syndrome. Last evaluated: 2026-01-14. Review status: criteria provided, single submitter. Criteria: Ambry Variant Classification Scheme 2023. Collection method: clinical testing. Allele origin: germline.

Labcorp Genetics (formerly Invitae), Labcorp
Classification: Likely benign for Ataxia-telangiectasia syndrome. Last evaluated: 2025-04-21. Review status: criteria provided, single submitter. Criteria: Invitae Variant Classification Sherloc (09022015). Collection method: clinical testing. Allele origin: germline.

Myriad Genetics, Inc.
Classification: Benign for Familial cancer of breast. Last evaluated: 2024-05-14. Review status: criteria provided, single submitter. Criteria: Myriad Autosomal Dominant, Autosomal Recessive and X-Linked Classification Criteria (2023). Collection method: clinical testing. Allele origin: unknown.
Comment: This variant is considered benign. This variant is a silent/synonymous amino acid change and it is not expected to impact splicing.

Color Diagnostics, LLC DBA Color Health
Classification: Likely benign for Hereditary cancer-predisposing syndrome. Last evaluated: 2019-08-19. Review status: criteria provided, single submitter. Criteria: ACMG Guidelines, 2015. Collection method: clinical testing. Allele origin: germline.